The following is an entry in ClinVar:

ClinVar aggregate classification (germline): Benign (1 of 4 stars; one submission).

Conditions:
Familial cancer of breast. Also called: BREAST CANCER, FAMILIAL; Hereditary breast cancer; hereditary breast carcinoma. Identifiers: Orphanet 227535, MedGen C0346153, MONDO:0016419, OMIM 114480. Disease mechanism: loss of function.

Submission:

Myriad Genetics, Inc.
Classification: Benign for Familial cancer of breast. Last evaluated: 2024-05-01. Review status: criteria provided, single submitter. Criteria: Myriad Autosomal Dominant, Autosomal Recessive and X-Linked Classification Criteria (2023). Collection method: clinical testing. Allele origin: unknown.
Comment: This variant is considered benign. This variant is a silent/synonymous amino acid change and it is not expected to impact splicing.

NM_000051.4(ATM):c.1815T>C (p.His605=)

Gene: ATM (ATM serine/threonine kinase; plus strand). Cytogenetic location: 11q22.3.
Variant type: single nucleotide variant.
Coding change: c.1815T>C on transcript NM_000051.4 (MANE Select); coding-DNA position 1815, T replaced by C.
Protein change: p.His605=; no amino-acid change (histidine 605 retained).
Molecular consequence: synonymous variant.
Genome position (GRCh38, 1-based): chr11:108,252,829, T>C. VCF-style: chr11-108252829-T-C. GRCh37 (hg19) VCF-style: chr11-108123556-T-C.
Other names: c.1815T>C, p.His605= (NM_001351834.2).
Identifiers: ClinVar variation 3253742 (VCV003253742.1), dbSNP rs2135352809.